The following is an entry in ClinVar:

ClinVar aggregate classification (germline): Conflicting classifications of pathogenicity. Review status: criteria provided, conflicting classifications (1 of 4 stars). 6 submissions from 4 submitters: Uncertain significance (3); Benign (1); Likely benign (2). Last evaluated 2025-09-03.

Conditions:
Autosomal dominant distal renal tubular acidosis (DRTA1). Also called: RTA, CLASSIC TYPE; RTA, DISTAL TYPE, AUTOSOMAL DOMINANT; RTA, GRADIENT TYPE; Renal Tubular Acidosis, Type I; RENAL TUBULAR ACIDOSIS, DISTAL, 1. Identifiers: Orphanet 93608, MedGen CN280572, MONDO:0008368, OMIM 179800.
Hemolytic anemia. Identifiers: MedGen C0002878, MONDO:0003664, HP:0001878.
Hereditary spherocytosis type 4. Also called: SLC4A1-Related Spherocytosis. Identifiers: Orphanet 822, MedGen C2675212, MONDO:0012981, OMIM 612653.

Allele frequency attached by ClinVar (database versions not stated): ExAC 0.00021; ESP Exome Variant Server 0.00023; gnomAD 0.00026; gnomAD exomes 0.00027; TOPMed 0.00030; 1000 Genomes Project 30x 0.00047; 1000 Genomes Project 0.00060.

Submissions (6):

Labcorp Genetics (formerly Invitae), Labcorp
Classification: Likely benign. Last evaluated: 2025-09-03. Review status: criteria provided, single submitter. Criteria: Invitae Variant Classification Sherloc (09022015). Collection method: clinical testing. Allele origin: germline.

ARUP Laboratories, Molecular Genetics and Genomics, ARUP Laboratories
Classification: Likely benign. Last evaluated: 2024-01-26. Review status: criteria provided, single submitter. Criteria: ARUP Molecular Germline Variant Investigation Process 2024. Collection method: clinical testing. Allele origin: germline.

Mayo Clinic Laboratories, Mayo Clinic
Classification: Uncertain significance. Last evaluated: 2022-02-08. Review status: criteria provided, single submitter. Criteria: ACMG Guidelines, 2015. Collection method: clinical testing. Allele origin: germline. Observed: 7 variant alleles.

Illumina Laboratory Services, Illumina
Classification: Uncertain significance for Hemolytic anemia. Last evaluated: 2018-01-13. Review status: criteria provided, single submitter. Criteria: ICSL Variant Classification Criteria 13 December 2019. Collection method: clinical testing. Allele origin: germline.

Illumina Laboratory Services, Illumina
Classification: Uncertain significance for Hereditary spherocytosis type 4. Last evaluated: 2018-01-13. Review status: criteria provided, single submitter. Criteria: ICSL Variant Classification Criteria 13 December 2019. Collection method: clinical testing. Allele origin: germline.

Illumina Laboratory Services, Illumina
Classification: Benign for Autosomal dominant distal renal tubular acidosis. Last evaluated: 2018-01-13. Review status: criteria provided, single submitter. Criteria: ICSL Variant Classification Criteria 13 December 2019. Collection method: clinical testing. Allele origin: germline.
Comment: This variant was observed in the ICSL laboratory as part of a predisposition screen in an ostensibly healthy population. It had not been previously curated by ICSL or reported in the Human Gene Mutation Database (HGMD: prior to June 1st, 2018), and was therefore a candidate for classification through an automated scoring system. Utilizing variant allele frequency, disease prevalence and penetrance estimates, and inheritance mode, an automated score was calculated to assess if this variant is too frequent to cause the disease. Based on the score and internal cut-off values, a variant classified as benign is not then subjected to further curation. The score for this variant resulted in a classification of benign for this disease.

NM_000342.4(SLC4A1):c.1151G>A (p.Arg384His)

Gene: SLC4A1 (solute carrier family 4 member 1 (Diego blood group); minus strand). Cytogenetic location: 17q21.31.
Variant type: single nucleotide variant.
Coding change: c.1151G>A on transcript NM_000342.4 (MANE Select); coding-DNA position 1151, G replaced by A.
Protein change: p.Arg384His; replaces arginine 384 with histidine.
Molecular consequence: missense variant.
Genome position (GRCh38, 1-based): chr17:44,258,117, C>T on the plus strand (G>A on the coding strand, the complement: SLC4A1 is on the minus strand). VCF-style: chr17-44258117-C-T. GRCh37 (hg19) VCF-style: chr17-42335485-C-T.
Other names: p.Arg384His; short protein forms R384H.
Identifiers: ClinVar variation 890178 (VCV000890178.10), dbSNP rs13306776, ClinGen allele CA8600364.